The following is an entry in ClinVar:

ClinVar aggregate classification (germline): Uncertain significance (1 of 4 stars; one submission).

Submission:

Labcorp Genetics (formerly Invitae), Labcorp
Classification: Uncertain significance. Last evaluated: 2023-06-30. Review status: criteria provided, single submitter. Criteria: Invitae Variant Classification Sherloc (09022015). Collection method: clinical testing. Allele origin: germline.
Comment: This variant has not been reported in the literature in individuals affected with FRMD7-related conditions. In summary, the available evidence is currently insufficient to determine the role of this variant in disease. Therefore, it has been classified as a Variant of Uncertain Significance. Algorithms developed to predict the effect of missense changes on protein structure and function output the following: SIFT: "Not Available"; PolyPhen-2: "Benign"; Align-GVGD: "Not Available". The aspartic acid amino acid residue is found in multiple mammalian species, which suggests that this missense change does not adversely affect protein function. This variant is not present in population databases (gnomAD no frequency). This sequence change replaces glycine, which is neutral and non-polar, with aspartic acid, which is acidic and polar, at codon 359 of the FRMD7 protein (p.Gly359Asp).

NM_194277.3(FRMD7):c.1076G>A (p.Gly359Asp)

Gene: FRMD7 (FERM domain containing 7; minus strand). Cytogenetic location: Xq26.2.
Variant type: single nucleotide variant.
Coding change: c.1076G>A on transcript NM_194277.3 (MANE Select); coding-DNA position 1076, G replaced by A.
Protein change: p.Gly359Asp; replaces glycine 359 with aspartic acid.
Molecular consequence: missense variant.
Genome position (GRCh38, 1-based): chrX:132,078,941, C>T on the plus strand (G>A on the coding strand, the complement: FRMD7 is on the minus strand). VCF-style: chrX-132078941-C-T. GRCh37 (hg19) VCF-style: chrX-131212969-C-T.
Other names: c.1031G>A, p.Gly344Asp (NM_001306193.2); short protein forms G359D, G344D.
Identifiers: ClinVar variation 2789967 (VCV002789967.3), dbSNP rs2520706786, ClinGen allele CA414679892.
Genomic context (GRCh38, chrX:132,078,941, plus strand): 5'-CTACTCTCCAGCACTGGCTCAGATGCGTGCACTCCATTCACATTTTGGTAGTAGCCACCA[C>T]CATATGCTAGTCTCAAATCTTCCACCTTGAGAGAATGGACACATTGGTGAAAGAAGGAAA-3'
Protein context (NP_919253.1, residues 349-369): KQVEDLRLAY[Gly359Asp]GGYYQNVNGV